The following is an entry in ClinVar:

NM_001130144.3(LTBP3):c.3341C>G (p.Pro1114Arg)

Genes: LTBP3 (latent transforming growth factor beta binding protein 3; minus strand), LOC130006027 (ATAC-STARR-seq lymphoblastoid silent region 3530; plus strand). Cytogenetic location: 11q13.1.
Variant type: single nucleotide variant.
Coding change: c.3341C>G on transcript NM_001130144.3 (MANE Select); coding-DNA position 3341, C replaced by G.
Protein change: p.Pro1114Arg; replaces proline 1114 with arginine.
Molecular consequence: missense variant. On other transcripts: intron variant (2).
Genome position (GRCh38, 1-based): chr11:65,540,057, G>C on the plus strand (C>G on the coding strand, the complement: LTBP3 is on the minus strand). VCF-style: chr11-65540057-G-C. GRCh37 (hg19) VCF-style: chr11-65307528-G-C.
Other names: c.2894-176C>G (NM_001164266.1); c.3245-176C>G (NM_021070.4); short protein forms P1114R.
Identifiers: ClinVar variation 3703710 (VCV003703710.1).

ClinVar aggregate classification (germline): Uncertain significance (1 of 4 stars; one submission).

Conditions:
Brachyolmia-amelogenesis imperfecta syndrome. Also called: Tooth agenesis, selective, 6; Dental anomalies and short stature; PLATYSPONDYLY WITH AMELOGENESIS IMPERFECTA. Identifiers: Orphanet 2899, MedGen C1832594, MONDO:0011018, OMIM 601216. Disease mechanism: loss of function.

gnomAD v4.1: 4 of 1,521,162 alleles (0.00026%); highest among the groups gnomAD compares: Non-Finnish European, 0.00035%; no homozygotes.

Submission:

Labcorp Genetics (formerly Invitae), Labcorp
Classification: Uncertain significance for Brachyolmia-amelogenesis imperfecta syndrome. Last evaluated: 2024-09-03. Review status: criteria provided, single submitter. Criteria: Invitae Variant Classification Sherloc (09022015). Collection method: clinical testing. Allele origin: germline.
Comment: This sequence change replaces proline, which is neutral and non-polar, with arginine, which is basic and polar, at codon 1114 of the LTBP3 protein (p.Pro1114Arg). This variant is not present in population databases (gnomAD no frequency). This variant has not been reported in the literature in individuals affected with LTBP3-related conditions. An algorithm developed to predict the effect of missense changes on protein structure and function (PolyPhen-2) suggests that this variant¬†is likely to be tolerated. Algorithms developed to predict the effect of sequence changes on RNA splicing suggest that this variant may create or strengthen a splice site. In summary, the available evidence is currently insufficient to determine the role of this variant in disease. Therefore, it has been classified as a Variant of Uncertain Significance.